The following is an entry in ClinVar:

NM_001037.5(SCN1B):c.40+6T>G

Gene: SCN1B (sodium voltage-gated channel beta subunit 1; plus strand). Cytogenetic location: 19q13.11.
Variant type: single nucleotide variant.
Coding change: c.40+6T>G on transcript NM_001037.5 (MANE Select); 6 bases into the intron after coding-DNA position 40, T replaced by G.
Molecular consequence: intron variant.
Genome position (GRCh38, 1-based): chr19:35,030,866, T>G. VCF-style: chr19-35030866-T-G. GRCh37 (hg19) VCF-style: chr19-35521770-T-G.
Other names: c.40+6T>G (NM_199037.5).
Identifiers: ClinVar variation 2016781 (VCV002016781.4), dbSNP rs587781151, ClinGen allele CA995437375.
Genomic context (GRCh38, chr19:35,030,866, plus strand): 5'-ACGCGCCGCGCAGCCATGGGGAGGCTGCTGGCCTTAGTGGTCGGCGCGGCACTGGGTGAG[T>G]GCGCGGGGGGCGCGCGCGGCCGGGGGGCACCGCGGGGGCACTGGCGGGGCGGCGGGAGTG-3'

ClinVar aggregate classification (germline): Uncertain significance (1 of 4 stars; one submission).

Conditions:
Brugada syndrome 5 (BRGDA5). Identifiers: Orphanet 130, Orphanet 871, MedGen C2748541, MONDO:0013015, OMIM 612838.

Allele frequency attached by ClinVar (database versions not stated): gnomAD 0.00001.

Submission:

Labcorp Genetics (formerly Invitae), Labcorp
Classification: Uncertain significance for Brugada syndrome 5. Last evaluated: 2022-07-13. Review status: criteria provided, single submitter. Criteria: Invitae Variant Classification Sherloc (09022015). Collection method: clinical testing. Allele origin: germline.
Comment: This sequence change falls in intron 1 of the SCN1B gene. It does not directly change the encoded amino acid sequence of the SCN1B protein. It affects a nucleotide within the consensus splice site. This variant is not present in population databases (gnomAD no frequency). This variant has not been reported in the literature in individuals affected with SCN1B-related conditions. Variants that disrupt the consensus splice site are a relatively common cause of aberrant splicing (PMID: 17576681, 9536098). Algorithms developed to predict the effect of sequence changes on RNA splicing suggest that this variant may create or strengthen a splice site. In summary, the available evidence is currently insufficient to determine the role of this variant in disease. Therefore, it has been classified as a Variant of Uncertain Significance.

Literature cited by the submitters: PubMed 17576681; PubMed 9536098.